The following is an entry in ClinVar:

NM_006648.4(WNK2):c.2615C>T (p.Pro872Leu)

Gene: WNK2 (WNK lysine deficient protein kinase 2; plus strand). Cytogenetic location: 9q22.31.
Variant type: single nucleotide variant.
Coding change: c.2615C>T on transcript NM_006648.4 (MANE Select); coding-DNA position 2615, C replaced by T.
Protein change: p.Pro872Leu; replaces proline 872 with leucine.
Molecular consequence: missense variant.
Genome position (GRCh38, 1-based): chr9:93,259,163, C>T. VCF-style: chr9-93259163-C-T. GRCh37 (hg19) VCF-style: chr9-96021445-C-T.
Other names: c.2615C>T, p.Pro872Leu (NM_001282394.3); short protein forms P872L.
Identifiers: ClinVar variation 4605433 (VCV004605433.1).

ClinVar aggregate classification (germline): Uncertain significance (1 of 4 stars; one submission).

gnomAD v4.1: 3 of 1,612,506 alleles (0.00019%); highest among the groups gnomAD compares: Non-Finnish European, 0.000085%; no homozygotes.

Submission:

Ambry Genetics
Classification: Uncertain significance. Last evaluated: 2025-12-13. Review status: criteria provided, single submitter. Criteria: Ambry Variant Classification Scheme 2023. Collection method: clinical testing. Allele origin: germline.
Comment: The p.P872L variant (also known as c.2615C>T), located in coding exon 11 of the WNK2 gene, results from a C to T substitution at nucleotide position 2615. The proline at codon 872 is replaced by leucine, an amino acid with similar properties. This amino acid position is conserved. In addition, the in silico prediction for this alteration is inconclusive. Based on the available evidence, the clinical significance of this variant remains unclear.